The following is an entry in ClinVar:

NM_001142800.2(EYS):c.3536A>G (p.His1179Arg)

Gene: EYS (EGF-like photoreceptor maintenance factor; minus strand). Cytogenetic location: 6q12.
Variant type: single nucleotide variant.
Coding change: c.3536A>G on transcript NM_001142800.2 (MANE Select); coding-DNA position 3536, A replaced by G.
Protein change: p.His1179Arg; replaces histidine 1179 with arginine.
Molecular consequence: missense variant.
Genome position (GRCh38, 1-based): chr6:64,626,153, T>C on the plus strand (A>G on the coding strand, the complement: EYS is on the minus strand). VCF-style: chr6-64626153-T-C. GRCh37 (hg19) VCF-style: chr6-65336046-T-C.
Other names: c.3536A>G, p.His1179Arg (NM_001292009.2); short protein forms H1179R.
Identifiers: ClinVar variation 1039493 (VCV001039493.8), dbSNP rs1767602193, ClinGen allele CA364785327.

ClinVar aggregate classification (germline): Uncertain significance (1 of 4 stars; one submission).

Submission:

Labcorp Genetics (formerly Invitae), Labcorp
Classification: Uncertain significance. Last evaluated: 2020-08-14. Review status: criteria provided, single submitter. Criteria: Invitae Variant Classification Sherloc (09022015). Collection method: clinical testing. Allele origin: germline.
Comment: This sequence change replaces histidine with arginine at codon 1179 of the EYS protein (p.His1179Arg). The histidine residue is moderately conserved and there is a small physicochemical difference between histidine and arginine. This variant is not present in population databases (ExAC no frequency). This variant has not been reported in the literature in individuals with EYS-related conditions. Algorithms developed to predict the effect of missense changes on protein structure and function (SIFT, PolyPhen-2, Align-GVGD) all suggest that this variant is likely to be tolerated, but these predictions have not been confirmed by published functional studies and their clinical significance is uncertain. In summary, the available evidence is currently insufficient to determine the role of this variant in disease. Therefore, it has been classified as a Variant of Uncertain Significance.